The following is an entry in ClinVar:

NM_006648.4(WNK2):c.6509C>A (p.Ala2170Glu)

Gene: WNK2 (WNK lysine deficient protein kinase 2; plus strand). Cytogenetic location: 9q22.31.
Variant type: single nucleotide variant.
Coding change: c.6509C>A on transcript NM_006648.4 (MANE Select); coding-DNA position 6509, C replaced by A.
Protein change: p.Ala2170Glu; replaces alanine 2170 with glutamic acid.
Molecular consequence: missense variant.
Genome position (GRCh38, 1-based): chr9:93,308,577, C>A. VCF-style: chr9-93308577-C-A. GRCh37 (hg19) VCF-style: chr9-96070859-C-A.
Other names: c.6620C>A, p.Ala2207Glu (NM_001282394.3); short protein forms A2207E, A2170E.
Identifiers: ClinVar variation 4201850 (VCV004201850.1).
Genomic context (GRCh38, chr9:93,308,577, plus strand): 5'-AGCAGACCCAGAAGCTGCAAGACATGGAGGCCCAGGCAGGCTGGGCTGCCCCTGGCGAGG[C>A]GCGGGCTGTGAGTGCGGGGCGGGTGGGGCGGGTGCTCCTGGGGTGGGGTAGCCTTGCCTC-3'
Protein context (NP_006639.3, residues 2160-2180): AQAGWAAPGE[Ala2170Glu]RAMTAPRAGV

ClinVar aggregate classification (germline): Uncertain significance (1 of 4 stars; one submission).

Submission:

Ambry Genetics
Classification: Uncertain significance. Last evaluated: 2025-08-31. Review status: criteria provided, single submitter. Criteria: Ambry Variant Classification Scheme 2023. Collection method: clinical testing. Allele origin: germline.
Comment: The p.A2170E variant (also known as c.6509C>A), located in coding exon 27 of the WNK2 gene, results from a C to A substitution at nucleotide position 6509. The alanine at codon 2170 is replaced by glutamic acid, an amino acid with dissimilar properties. This amino acid position is conserved. In addition, this alteration is predicted to be tolerated by in silico analysis. Based on the available evidence, the clinical significance of this variant remains unclear.